The following is an entry in ClinVar:

NM_006846.4(SPINK5):c.802C>T (p.Arg268Cys)

Gene: SPINK5 (serine peptidase inhibitor Kazal type 5; plus strand). Cytogenetic location: 5q32.
Variant type: single nucleotide variant.
Coding change: c.802C>T on transcript NM_006846.4 (MANE Select); coding-DNA position 802, C replaced by T.
Protein change: p.Arg268Cys; replaces arginine 268 with cysteine.
Molecular consequence: missense variant.
Genome position (GRCh38, 1-based): chr5:148,095,825, C>T. VCF-style: chr5-148095825-C-T. GRCh37 (hg19) VCF-style: chr5-147475388-C-T.
Other names: p.Arg268Cys; c.802C>T, p.Arg268Cys (NM_001127698.2, NM_001127699.2); short protein forms R268C.
Identifiers: ClinVar variation 351519 (VCV000351519.67), dbSNP rs142558269, ClinGen allele CA3495371.

ClinVar aggregate classification (germline): Benign/Likely benign. Review status: criteria provided, multiple submitters, no conflicts (2 of 4 stars). 15 submissions from 15 submitters: Benign (5); Likely benign (6). 4 of the submissions do not count toward it. Last evaluated 2026-07-01.

Conditions:
SPINK5-related disorder. Also called: SPINK5-related condition.
Netherton syndrome (NETH). Also called: ERYTHRODERMA, ICHTHYOSIFORM, WITH HYPOTRICHOSIS AND HYPER-IgE; COMEL-NETHERTON SYNDROME; NETHERTON DISEASE. Identifiers: Orphanet 634, MedGen C5574950, MONDO:0009735, OMIM 256500.
Susceptibility to nonsyndromic otitis media.
Ichthyosis linearis circumflexa. Identifiers: MedGen C0265962, MONDO:0043106, HP:0025810.

Allele frequency attached by ClinVar (database versions not stated): gnomAD 0.00581 and 0.00591; TOPMed 0.00606; 1000 Genomes Project 30x 0.00640; 1000 Genomes Project 0.00659; ESP Exome Variant Server 0.00664.
gnomAD v4.1: 13,586 of 1,611,294 alleles (0.84%); highest among the groups gnomAD compares: South Asian, 1%; 70 homozygotes.

Submissions (15):

CeGaT Center for Human Genetics Tuebingen
Classification: Benign. Last evaluated: 2026-07-01. Review status: criteria provided, single submitter. Criteria: CeGaT Center For Human Genetics Tuebingen Variant Classification Criteria Version 2. Collection method: clinical testing. Allele origin: germline. Affected: yes. Observed: 13 variant alleles.
Comment: SPINK5: BP4, BS1, BS2

Labcorp Genetics (formerly Invitae), Labcorp
Classification: Benign for Ichthyosis linearis circumflexa. Last evaluated: 2026-02-02. Review status: criteria provided, single submitter. Criteria: Invitae Variant Classification Sherloc (09022015). Collection method: clinical testing. Allele origin: germline.

Blueprint Genetics
Classification: Likely benign. Last evaluated: 2024-11-26. Review status: criteria provided, single submitter. Criteria: ACMG Guidelines, 2015. Collection method: clinical testing. Allele origin: germline.

Mayo Clinic Laboratories, Mayo Clinic
Classification: Benign. Last evaluated: 2024-11-19. Review status: criteria provided, single submitter. Criteria: ACMG Guidelines, 2015. Collection method: clinical testing. Allele origin: germline. Observed: 6 variant alleles.
Comment: BS1, BS2, BP4

Fulgent Genetics
Classification: Likely benign for Netherton syndrome. Last evaluated: 2022-03-18. Review status: criteria provided, single submitter. Criteria: ACMG Guidelines, 2015. Collection method: clinical testing. Allele origin: unknown.

Illumina Laboratory Services, Illumina
Classification: Likely benign for Netherton syndrome. Last evaluated: 2018-01-13. Review status: criteria provided, single submitter. Criteria: ICSL Variant Classification Criteria 13 December 2019. Collection method: clinical testing. Allele origin: germline.
Comment: This variant was observed in the ICSL laboratory as part of a predisposition screen in an ostensibly healthy population. It had not been previously curated by ICSL or reported in the Human Gene Mutation Database (HGMD: prior to June 1st, 2018), and was therefore a candidate for classification through an automated scoring system. Utilizing variant allele frequency, disease prevalence and penetrance estimates, and inheritance mode, an automated score was calculated to assess if this variant is too frequent to cause the disease. Based on the score and internal cut-off values, a variant classified as likely benign is not then subjected to further curation. The score for this variant resulted in a classification of likely benign for this disease.

Clinical Genetics DNA and cytogenetics Diagnostics Lab, Erasmus MC, Erasmus Medical Center
Classification: Likely benign for Netherton syndrome. Last evaluated: 2017-11-10. Review status: criteria provided, single submitter. Criteria: ACGS Guidelines, 2013. Collection method: clinical testing. Allele origin: germline. Affected: yes. Study: VKGL Data-share Consensus.

Center for Pediatric Genomic Medicine, Children's Mercy Hospital and Clinics
Classification: Likely benign. Last evaluated: 2017-06-12. Review status: criteria provided, single submitter. Criteria: ACMG Guidelines, 2015. Collection method: clinical testing. Allele origin: germline.

GeneDx
Classification: Benign. Last evaluated: 2015-03-03. Review status: criteria provided, single submitter. Criteria: GeneDx Variant Classification Process June 2021. Collection method: clinical testing. Allele origin: germline. Affected: yes.

Genome Diagnostics Laboratory, University Medical Center Utrecht
Classification: Benign for Netherton syndrome. Last evaluated: 2014-10-09. Review status: criteria provided, single submitter. Criteria: ACGS Guidelines, 2013. Collection method: clinical testing. Allele origin: germline. Affected: yes. Study: VKGL Data-share Consensus.

Breakthrough Genomics
Classification: Likely benign. Review status: criteria provided, single submitter. Criteria: ACMG Guidelines, 2015. Collection method: not provided. Allele origin: germline. Inheritance: Autosomal recessive inheritance. Affected: yes.

PreventionGenetics, part of Exact Sciences
Classification: Benign for SPINK5-related condition. Last evaluated: 2023-10-04. Review status: no assertion criteria provided. Collection method: clinical testing. Allele origin: germline. Not counted in ClinVar's aggregate classification.
Comment: This variant is classified as benign based on ACMG/AMP sequence variant interpretation guidelines (Richards et al. 2015 PMID: 25741868, with internal and published modifications).

Santos-Cortez Lab, University of Colorado School of Medicine
Classification: Uncertain significance for Susceptibility to nonsyndromic otitis media. Last evaluated: 2020-04-18. Review status: no assertion criteria provided. Collection method: research. Allele origin: germline. Affected: yes. Not counted in ClinVar's aggregate classification.

Diagnostic Laboratory, Department of Genetics, University Medical Center Groningen
Classification: Likely benign for Netherton syndrome. Review status: no assertion criteria provided. Collection method: clinical testing. Allele origin: germline. Affected: yes. Study: VKGL Data-share Consensus. Not counted in ClinVar's aggregate classification.

Laboratory of Diagnostic Genome Analysis, Leiden University Medical Center (LUMC)
Classification: Likely benign. Review status: no assertion criteria provided. Collection method: clinical testing. Allele origin: germline. Affected: yes. Study: VKGL Data-share Consensus. Not counted in ClinVar's aggregate classification.

Literature cited by the submitters: PubMed 32709676 (cited by Mayo Clinic Laboratories, Mayo Clinic).